The following is an entry in ClinVar:

NM_030962.4(SBF2):c.1222C>T (p.Leu408Phe)

Gene: SBF2 (SET binding factor 2; minus strand). Cytogenetic location: 11p15.4.
Variant type: single nucleotide variant.
Coding change: c.1222C>T on transcript NM_030962.4 (MANE Select); coding-DNA position 1222, C replaced by T.
Protein change: p.Leu408Phe; replaces leucine 408 with phenylalanine.
Molecular consequence: missense variant. On other transcripts: intron variant (1).
Genome position (GRCh38, 1-based): chr11:9,992,489, G>A on the plus strand (C>T on the coding strand, the complement: SBF2 is on the minus strand). VCF-style: chr11-9992489-G-A. GRCh37 (hg19) VCF-style: chr11-10014036-G-A.
Other names: c.1222C>T, p.Leu408Phe (NM_001386339.1); c.1167+501C>T (NM_001386342.1); short protein forms L408F.
Identifiers: ClinVar variation 1016163 (VCV001016163.9), dbSNP rs1220835376, ClinGen allele CA379636892.

ClinVar aggregate classification (germline): Uncertain significance (1 of 4 stars; one submission).

Conditions:
Charcot-Marie-Tooth disease type 4. Also called: Charcot-Marie-Tooth disease, type IV; Charcot-Marie-Tooth, Type 4. Identifiers: Orphanet 64749, MedGen C4082197, MONDO:0018995.

Allele frequency attached by ClinVar (database versions not stated): gnomAD 0.00001; TOPMed 0.00001.
gnomAD v4.1: 2 of 1,612,992 alleles (0.00012%); highest among the groups gnomAD compares: Non-Finnish European, 0.00017%; no homozygotes.

Submission:

Labcorp Genetics (formerly Invitae), Labcorp
Classification: Uncertain significance for Charcot-Marie-Tooth disease type 4. Last evaluated: 2020-10-12. Review status: criteria provided, single submitter. Criteria: Invitae Variant Classification Sherloc (09022015). Collection method: clinical testing. Allele origin: germline.
Comment: This sequence change replaces leucine with phenylalanine at codon 408 of the SBF2 protein (p.Leu408Phe). The leucine residue is highly conserved and there is a small physicochemical difference between leucine and phenylalanine. This variant is not present in population databases (ExAC no frequency). This variant has not been reported in the literature in individuals with SBF2-related conditions. Algorithms developed to predict the effect of missense changes on protein structure and function are either unavailable or do not agree on the potential impact of this missense change (SIFT: "Deleterious"; PolyPhen-2: "Probably Damaging"; Align-GVGD: "Class C0"). In summary, the available evidence is currently insufficient to determine the role of this variant in disease. Therefore, it has been classified as a Variant of Uncertain Significance.